The following is an entry in ClinVar:

ClinVar aggregate classification (germline): Pathogenic/Likely pathogenic. Review status: criteria provided, multiple submitters, no conflicts (2 of 4 stars). 6 submissions from 6 submitters: Pathogenic (1); Likely pathogenic (5). Last evaluated 2026-01-07.

Conditions:
Fanconi anemia complementation group G. Also called: Fanconi anemia group G; FANCG-Related Fanconi Anemia. Identifiers: Orphanet 84, MedGen C3469527, MONDO:0013565, OMIM 614082.
Fanconi anemia (FA). Also called: Fanconi's anemia. Identifiers: Orphanet 84, MedGen C0015625, MeSH D005199, MONDO:0019391.

Allele frequency attached by ClinVar (database versions not stated): gnomAD exomes 0.00001 and below 0.00001; gnomAD 0.00001; ExAC 0.00001.
gnomAD v4.1: 9 of 1,614,062 alleles (0.00056%); highest among the groups gnomAD compares: African/African-American, 0.0013%; no homozygotes.

Submissions (6):

GeneDx
Classification: Likely pathogenic. Last evaluated: 2026-01-07. Review status: criteria provided, single submitter. Criteria: GeneDx Variant Classification Process June 2021. Collection method: clinical testing. Allele origin: germline.
Comment: Nonsense variant predicted to result in protein truncation or nonsense mediated decay in a gene for which loss of function is a known mechanism of disease; Not observed at significant frequency in large population cohorts (gnomAD); Has not been previously published as pathogenic or benign to our knowledge

Natera, Inc.
Classification: Likely pathogenic for Fanconi anemia group G. Last evaluated: 2025-10-09. Review status: criteria provided, single submitter. Criteria: Natera Variant Classification Schema (03/2026). Collection method: clinical testing. Allele origin: germline.
Comment: The c.976G>T variant in FANCG is a nonsense variant predicted to introduce a stop codon at amino acid 326. This variant is expected to result in nonsense mediated decay, truncation, or a dysfunctional protein product. This variant is rare in the general population with a frequency below the threshold expected for the associated phenotype(s). Given the available evidence, this variant is classified as Likely Pathogenic.

Labcorp Genetics (formerly Invitae), Labcorp
Classification: Pathogenic for Fanconi anemia. Last evaluated: 2025-09-10. Review status: criteria provided, single submitter. Criteria: Invitae Variant Classification Sherloc (09022015). Collection method: clinical testing. Allele origin: germline.
Comment: This sequence change creates a premature translational stop signal (p.Glu326*) in the FANCG gene. It is expected to result in an absent or disrupted protein product. Loss-of-function variants in FANCG are known to be pathogenic (PMID: 12552564). This variant is present in population databases (rs754484649, gnomAD 0.002%). This variant has not been reported in the literature in individuals affected with FANCG-related conditions. ClinVar contains an entry for this variant (Variation ID: 966362). Algorithms developed to predict the effect of sequence changes on RNA splicing suggest that this variant may disrupt the consensus splice site. For these reasons, this variant has been classified as Pathogenic.

St. Jude Molecular Pathology, St. Jude Children's Research Hospital
Classification: Likely pathogenic for Fanconi anemia complementation group G. Last evaluated: 2024-06-10. Review status: criteria provided, single submitter. Criteria: St. Jude Assertion Criteria 2020. Collection method: clinical testing. Allele origin: germline.
Comment: The FANCG c.976G>T (p.Glu326Ter) change is a nonsense variant that is predicted to cause premature protein truncation or absence of protein due to nonsense-mediated decay. This variant has not been reported in individuals with Fanconi anemia. This variant has a maximum subpopulation frequency of 0.002% in gnomAD v2.1.1. In summary, this variant meets criteria to be classified as likely pathogenic.

Baylor Genetics
Classification: Likely pathogenic for Fanconi anemia complementation group G. Last evaluated: 2023-09-19. Review status: criteria provided, single submitter. Criteria: ACMG Guidelines, 2015. Collection method: clinical testing. Allele origin: unknown.

Fulgent Genetics
Classification: Likely pathogenic for Fanconi anemia complementation group G. Last evaluated: 2021-11-01. Review status: criteria provided, single submitter. Criteria: ACMG Guidelines, 2015. Collection method: clinical testing. Allele origin: unknown.

Literature cited by the submitters: PubMed 12552564 (cited by Labcorp Genetics (formerly Invitae), Labcorp).

NM_004629.2(FANCG):c.976G>T (p.Glu326Ter)

Gene: FANCG (FA complementation group G; minus strand). Cytogenetic location: 9p13.3.
Variant type: single nucleotide variant.
Coding change: c.976G>T on transcript NM_004629.2 (MANE Select); coding-DNA position 976, G replaced by T.
Protein change: p.Glu326Ter; replaces glutamic acid 326 with a stop codon.
Molecular consequence: nonsense.
Genome position (GRCh38, 1-based): chr9:35,076,532, C>A on the plus strand (G>T on the coding strand, the complement: FANCG is on the minus strand). VCF-style: chr9-35076532-C-A. GRCh37 (hg19) VCF-style: chr9-35076529-C-A.
Other names: short protein forms E326*.
Identifiers: ClinVar variation 966362 (VCV000966362.13), dbSNP rs754484649, ClinGen allele CA5039875.